The following is an entry in ClinVar:

NM_020964.3(EPG5):c.1017_1018del (p.Ala340fs)

Gene: EPG5 (ectopic P-granules 5 autophagy tethering factor; minus strand). Cytogenetic location: 18q21.1.
Variant type: Microsatellite.
Coding change: c.1017_1018del on transcript NM_020964.3 (MANE Select); coding-DNA positions 1017 to 1018, 2 bases deleted (TG; older notation c.1017_1018delTG).
Protein change: p.Ala340fs; shifts the reading frame from alanine 340.
Molecular consequence: frameshift variant.
Genome position (GRCh38, 1-based): chr18:45,952,634-45,952,635, CA deleted on the plus strand (TG on the coding strand, the reverse complement: EPG5 is on the minus strand); deleting any 2 consecutive bases within chr18:45,952,634-45,952,637 gives the same sequence; the c. name uses the placement nearest the transcript's 3' end. VCF-style (leftmost placement, unchanged base first): chr18-45952633-GCA-G. GRCh37 (hg19) VCF-style: chr18-43532599-GCA-G.
Other names: short protein forms A340fs.
Identifiers: ClinVar variation 939909 (VCV000939909.8), dbSNP rs2050937885, ClinGen allele CA2300609156.

ClinVar aggregate classification (germline): Pathogenic (1 of 4 stars; one submission).

Conditions:
Vici syndrome (VICIS). Identifiers: Orphanet 1493, MedGen C1855772, MONDO:0009452, OMIM 242840.

Submission:

Labcorp Genetics (formerly Invitae), Labcorp
Classification: Pathogenic for Vici syndrome. Last evaluated: 2019-08-09. Review status: criteria provided, single submitter. Criteria: Invitae Variant Classification Sherloc (09022015). Collection method: clinical testing. Allele origin: germline.
Comment: For these reasons, this variant has been classified as Pathogenic. Loss-of-function variants in EPG5 are known to be pathogenic (PMID: 23222957, 23674064). This variant has not been reported in the literature in individuals with EPG5-related conditions. This variant is not present in population databases (ExAC no frequency). This sequence change creates a premature translational stop signal (p.Ala340Argfs*18) in the EPG5 gene. It is expected to result in an absent or disrupted protein product.

Literature cited by the submitters: PubMed 23222957; PubMed 23674064.